The following is an entry in ClinVar:

NM_020070.4(IGLL1):c.355T>C (p.Phe119Leu)

Gene: IGLL1 (immunoglobulin lambda like polypeptide 1; minus strand). Cytogenetic location: 22q11.23.
Variant type: single nucleotide variant.
Coding change: c.355T>C on transcript NM_020070.4 (MANE Select); coding-DNA position 355, T replaced by C.
Protein change: p.Phe119Leu; replaces phenylalanine 119 with leucine.
Molecular consequence: missense variant.
Genome position (GRCh38, 1-based): chr22:23,573,553, A>G on the plus strand (T>C on the coding strand, the complement: IGLL1 is on the minus strand). VCF-style: chr22-23573553-A-G. GRCh37 (hg19) VCF-style: chr22-23915740-A-G.
Other names: c.358T>C, p.Phe120Leu (NM_001369906.1); c.239T>C, p.Val80Ala (NM_152855.3); short protein forms F119L, F120L, V80A.
Identifiers: ClinVar variation 4714938 (VCV004714938.1).
Genomic context (GRCh38, chr22:23,573,553, plus strand): 5'-CATTCATGAGACACACCAGTGTAGCCTTGTTGGCTTGGAGCTCCTCAGAGGACGGCGGGA[A>G]CAGAGTGACCGAGGGGGTGGCCTTGGGCTGACCTGTGTGGACAGAGGAGGGGGTGAGAGA-3'
Protein context (NP_064455.1, residues 109-129): QPKATPSVTL[Phe119Leu]PPSSEELQAN

ClinVar aggregate classification (germline): Uncertain significance (1 of 4 stars; one submission).

Conditions:
Agammaglobulinemia 2, autosomal recessive (AGM2). Also called: AGAMMAGLOBULINEMIA, AUTOSOMAL RECESSIVE, DUE TO IGLL1 DEFECT. Identifiers: MedGen C3150750, MONDO:0013287, OMIM 613500.

gnomAD v4.1: 1 of 1,613,888 alleles (0.000062%); highest among the groups gnomAD compares: East Asian, 0.0022%; no homozygotes.

Submission:

Labcorp Genetics (formerly Invitae), Labcorp
Classification: Uncertain significance for Agammaglobulinemia 2, autosomal recessive. Last evaluated: 2025-03-18. Review status: criteria provided, single submitter. Criteria: Invitae Variant Classification Sherloc (09022015). Collection method: clinical testing. Allele origin: germline.
Comment: This sequence change replaces phenylalanine, which is neutral and non-polar, with leucine, which is neutral and non-polar, at codon 119 of the IGLL1 protein (p.Phe119Leu). This variant is not present in population databases (gnomAD no frequency). This variant has not been reported in the literature in individuals affected with IGLL1-related conditions. An algorithm developed to predict the effect of missense changes on protein structure and function (PolyPhen-2) suggests that this variant is likely to be disruptive. In summary, the available evidence is currently insufficient to determine the role of this variant in disease. Therefore, it has been classified as a Variant of Uncertain Significance.